The following is an entry in ClinVar:

NM_001267550.2(TTN):c.85707_85708del (p.Cys28570fs)

Genes: TTN-AS1 (TTN antisense RNA 1; plus strand), TTN (titin; minus strand). Cytogenetic location: 2q31.2.
Variant type: Deletion.
Coding change: c.85707_85708del on transcript NM_001267550.2 (MANE Select); coding-DNA positions 85707 to 85708, 2 bases deleted (TT; older notation c.85707_85708delTT).
Protein change: p.Cys28570fs; shifts the reading frame from cysteine 28570.
Molecular consequence: frameshift variant.
Genome position (GRCh38, 1-based): chr2:178,560,424-178,560,425, AA deleted on the plus strand (TT on the coding strand, the reverse complement: TTN is on the minus strand); deleting any 2 consecutive bases within chr2:178,560,424-178,560,426 gives the same sequence; the c. name uses the placement nearest the transcript's 3' end. VCF-style (leftmost placement, unchanged base first): chr2-178560423-CAA-C. GRCh37 (hg19) VCF-style: chr2-179425150-CAA-C.
Other names: c.80784_80785del, p.Cys26929fs (NM_001256850.1); c.58512_58513del, p.Cys19505fs (NM_003319.4); c.78003_78004del, p.Cys26002fs (NM_133378.4); c.58887_58888del, p.Cys19630fs (NM_133432.3); c.59088_59089del, p.Cys19697fs (NM_133437.4); c.58512_58513delTT (NM_003319.4); short protein forms C26002fs, C19697fs, C19505fs, C19630fs, C26929fs, C28570fs.
Identifiers: ClinVar variation 1483944 (VCV001483944.11), dbSNP rs1219440385, ClinGen allele CA538435308.
Genomic context (GRCh38, chr2:178,560,423, plus strand): 5'-CGCCTTTCAATTATATATCCAGATATTTCACTACCTCCATCACTCTCGGGTCTTGACCAG[CAA>C]AGTGTCATAGATTCTTTGGTCACAGAAGTAATTTCCAAAGACGTGGGTGGACTTGGAACT-3'

ClinVar aggregate classification (germline): Likely pathogenic. Review status: criteria provided, multiple submitters, no conflicts (2 of 4 stars). 2 submissions from 2 submitters: Likely pathogenic (2). Last evaluated 2025-09-05.

Conditions:
Cardiovascular phenotype. Identifiers: MedGen CN230736.
Dilated cardiomyopathy 1G (CMD1G). Identifiers: Orphanet 154, MedGen C1858763, MONDO:0011400, OMIM 604145.
Autosomal recessive limb-girdle muscular dystrophy type 2J (LGMDR10). Also called: Limb-girdle muscular dystrophy, type 2J; MUSCULAR DYSTROPHY, LIMB-GIRDLE, AUTOSOMAL RECESSIVE 10. Identifiers: Orphanet 140922, MedGen C1837342, MONDO:0012127, OMIM 608807.

Submissions (2):

Labcorp Genetics (formerly Invitae), Labcorp
Classification: Likely pathogenic for Dilated cardiomyopathy 1G; Autosomal recessive limb-girdle muscular dystrophy type 2J. Last evaluated: 2025-09-05. Review status: criteria provided, single submitter. Criteria: Invitae Variant Classification Sherloc (09022015). Collection method: clinical testing. Allele origin: germline.
Comment: This sequence change creates a premature translational stop signal (p.Cys28570Leufs*7) in the TTN gene. While this is not anticipated to result in nonsense mediated decay, it is expected to create a truncated TTN protein. This variant is present in population databases (no rsID available, gnomAD 0.006%). This variant has not been reported in the literature in individuals affected with TTN-related conditions. ClinVar contains an entry for this variant (Variation ID: 1483944). This variant is located in the A band of TTN (PMID: 25589632). Truncating variants in this region are significantly overrepresented in patients affected with dilated cardiomyopathy (PMID: 25589632). Truncating variants in this region have also been reported in individuals affected with autosomal recessive centronuclear myopathy (PMID: 23975875). In summary, the currently available evidence indicates that the variant is pathogenic, but additional data are needed to prove that conclusively. Therefore, this variant has been classified as Likely Pathogenic.

Ambry Genetics
Classification: Likely pathogenic for Cardiovascular phenotype. Last evaluated: 2024-06-27. Review status: criteria provided, single submitter. Criteria: Ambry Variant Classification Scheme 2023. Collection method: clinical testing. Allele origin: germline.
Comment: The c.58512_58513delTT variant, located in coding exon 153 of the TTN gene, results from a deletion of two nucleotides at nucleotide positions 58512 to 58513, causing a translational frameshift with a predicted alternate stop codon (p.C19505Lfs*7). This exon is located in the A-band region of the N2-B isoform of the titin protein and is constitutively expressed in TTN transcripts (percent spliced in or PSI 100%). This variant is considered to be rare based on population cohorts in the Genome Aggregation Database (gnomAD). This alteration is expected to result in loss of function by premature protein truncation or nonsense-mediated mRNA decay. While truncating variants in TTN are present in 1-3% of the general population, truncating variants in the A-band are the most common cause of dilated cardiomyopathy (DCM) (Herman DS et al. N. Engl. J. Med., 2012 Feb;366:619-28; Roberts AM et al. Sci Transl Med, 2015 Jan;7:270ra6). TTN truncating variants encoded in constitutive exons (PSI >90%) have been found to be significantly associated with DCM regardless of their position in titin (Schafer S et al. Nat. Genet., 2017 01;49:46-53). Based on the majority of available evidence to date, this variant is likely to be pathogenic.

Literature cited by the submitters: PubMed 25589632 (cited by Labcorp Genetics (formerly Invitae), Labcorp); PubMed 23975875 (cited by Labcorp Genetics (formerly Invitae), Labcorp).